The following is an entry in ClinVar:

NC_000007.14:g.156734195T>C

Genes: LMBR1 (limb development membrane protein 1; minus strand), SHH (sonic hedgehog signaling molecule; minus strand). Cytogenetic location: 7q36.3.
Variant type: single nucleotide variant.
Molecular consequence: missense variant (on NM_022458.4). On other transcripts: non-coding transcript variant (2).
Genome position: GRCh38 VCF-style: chr7-156734195-T-C. GRCh37 (hg19) VCF-style: chr7-156526889-T-C.
Other names: c.943A>G, p.Thr315Ala (NM_001350953.2, NM_001363409.2); c.541A>G, p.Thr181Ala (NM_001350954.2); c.364A>G, p.Thr122Ala (NM_001350955.2, NM_001350956.2, NM_001350958.2 and 1 more transcripts); c.451A>G, p.Thr151Ala (NM_001350957.2, NM_001363411.2); c.820A>G, p.Thr274Ala (NM_001363410.2, NM_022458.4); c.757A>G, p.Thr253Ala (NM_001363412.2); short protein forms T122A, T315A, T151A, T253A, T181A, T274A.
Identifiers: ClinVar variation 4986478 (VCV004986478.1).
Genomic context (GRCh38, chr7:156,734,195, plus strand): 5'-ACCAAGGCCAATACACAAGTCAAGAAAAAAAAAGTACAATACCTAATTTTGTCTTAAGAG[T>C]CTTTACATTTTCAAGTTCTTGTTCCAACTCCATTATGTTGTATTCCACCGATGAAGACAG-3'

ClinVar aggregate classification (germline): Likely benign (1 of 4 stars; one submission).

Conditions:
SHH-related disorder. Also called: SHH-related condition; SHH-related disorders.

gnomAD v4.1: 3 of 1,607,524 alleles (0.00019%); highest among the groups gnomAD compares: Admixed American, 0.0051%; no homozygotes.

Submission:

PreventionGenetics, part of Exact Sciences
Classification: Likely benign for SHH-related condition. Last evaluated: 2026-07-01. Review status: criteria provided, single submitter. Criteria: ACMG Guidelines, 2015. Collection method: clinical testing. Allele origin: germline.
Comment: This variant is classified as likely benign based on ACMG/AMP sequence variant interpretation guidelines (Richards et al. 2015 PMID: 25741868, with internal and published modifications).